The following is an entry in ClinVar:

ClinVar aggregate classification (germline): Likely benign (1 of 4 stars; one submission).

Conditions:
ALMS1-related disorder. Also called: ALMS1-related condition.

Submission:

PreventionGenetics, part of Exact Sciences
Classification: Likely benign for ALMS1-related condition. Last evaluated: 2022-06-18. Review status: criteria provided, single submitter. Criteria: ACMG Guidelines, 2015. Collection method: clinical testing. Allele origin: germline.
Comment: This variant is classified as likely benign based on ACMG/AMP sequence variant interpretation guidelines (Richards et al. 2015 PMID: 25741868, with internal and published modifications).

NM_001378454.1(ALMS1):c.1809T>G (p.Ala603=)

Gene: ALMS1 (ALMS1 centrosome and basal body associated protein; plus strand). Cytogenetic location: 2p13.1.
Variant type: single nucleotide variant.
Coding change: c.1809T>G on transcript NM_001378454.1 (MANE Select); coding-DNA position 1809, T replaced by G.
Protein change: p.Ala603=; no amino-acid change (alanine 603 retained).
Molecular consequence: synonymous variant.
Genome position (GRCh38, 1-based): chr2:73,448,336, T>G. VCF-style: chr2-73448336-T-G. GRCh37 (hg19) VCF-style: chr2-73675463-T-G.
Other names: c.1812T>G, p.Ala604= (NM_015120.4).
Identifiers: ClinVar variation 3052043 (VCV003052043.1), dbSNP rs1558647545, ClinGen allele CA427019048.
Genomic context (GRCh38, chr2:73,448,336, plus strand): 5'-TTTCTACCAGCAGGGCTTGCCAGACAGTCATCTAACTGAAGAGGCTTTGAAAGTTTCAGC[T>G]GCTCCTGGACTAGCTGACCAGACAACTGGCATGTCAACTCTAACCTCTACTTCCTACTCA-3'
Protein context (NP_001365383.1, residues 593-613): HLTEEALKVS[Ala603=]APGLADQTTG